The following is an entry in ClinVar:

ClinVar aggregate classification (germline): Uncertain significance. Review status: criteria provided, multiple submitters, no conflicts (2 of 4 stars). 2 submissions from 2 submitters: Uncertain significance (2). Last evaluated 2025-05-21.

Conditions:
Inborn genetic diseases. Identifiers: MedGen C0950123, MeSH D030342.

Allele frequency attached by ClinVar (database versions not stated): gnomAD exomes 0.00001 and below 0.00001; ExAC 0.00001.
gnomAD v4.1: 14 of 1,613,888 alleles (0.00087%); highest among the groups gnomAD compares: Non-Finnish European, 0.0012%; no homozygotes.

Submissions (2):

Ambry Genetics
Classification: Uncertain significance for Inborn genetic diseases. Last evaluated: 2025-05-21. Review status: criteria provided, single submitter. Criteria: Ambry Variant Classification Scheme 2023. Collection method: clinical testing. Allele origin: germline.

GeneDx
Classification: Uncertain significance. Last evaluated: 2019-10-22. Review status: criteria provided, single submitter. Criteria: GeneDx Variant Classification Process June 2021. Collection method: clinical testing. Allele origin: germline. Affected: yes.
Comment: Not observed at a significant frequency in large population cohorts (Lek et al., 2016); In silico analysis, which includes protein predictors and evolutionary conservation, supports a deleterious effect; Has not been previously published as pathogenic or benign to our knowledge

NM_207361.6(FREM2):c.1823G>A (p.Gly608Glu)

Gene: FREM2 (FRAS1 related extracellular matrix 2; plus strand). Cytogenetic location: 13q13.3.
Variant type: single nucleotide variant.
Coding change: c.1823G>A on transcript NM_207361.6 (MANE Select); coding-DNA position 1823, G replaced by A.
Protein change: p.Gly608Glu; replaces glycine 608 with glutamic acid.
Molecular consequence: missense variant.
Genome position (GRCh38, 1-based): chr13:38,689,167, G>A. VCF-style: chr13-38689167-G-A. GRCh37 (hg19) VCF-style: chr13-39263304-G-A.
Other names: short protein forms G608E.
Identifiers: ClinVar variation 1304625 (VCV001304625.3), dbSNP rs774621627, ClinGen allele CA6954486.